The following is an entry in ClinVar:

NM_024675.4(PALB2):c.890C>T (p.Thr297Ile)

Gene: PALB2 (partner and localizer of BRCA2; minus strand). Cytogenetic location: 16p12.2.
Variant type: single nucleotide variant.
Coding change: c.890C>T on transcript NM_024675.4 (MANE Select); coding-DNA position 890, C replaced by T.
Protein change: p.Thr297Ile; replaces threonine 297 with isoleucine.
Molecular consequence: missense variant.
Genome position (GRCh38, 1-based): chr16:23,635,656, G>A on the plus strand (C>T on the coding strand, the complement: PALB2 is on the minus strand). VCF-style: chr16-23635656-G-A. GRCh37 (hg19) VCF-style: chr16-23646977-G-A.
Other names: short protein forms T297I.
Identifiers: ClinVar variation 1364135 (VCV001364135.9), dbSNP rs1967012032, ClinGen allele CA395135623.

ClinVar aggregate classification (germline): Uncertain significance (1 of 4 stars; one submission).

Conditions:
Familial cancer of breast. Also called: BREAST CANCER, FAMILIAL; Hereditary breast cancer; hereditary breast carcinoma. Identifiers: Orphanet 227535, MedGen C0346153, MONDO:0016419, OMIM 114480. Disease mechanism: loss of function.

Submission:

Labcorp Genetics (formerly Invitae), Labcorp
Classification: Uncertain significance for Familial cancer of breast. Last evaluated: 2021-01-11. Review status: criteria provided, single submitter. Criteria: Invitae Variant Classification Sherloc (09022015). Collection method: clinical testing. Allele origin: germline.
Comment: In summary, the available evidence is currently insufficient to determine the role of this variant in disease. Therefore, it has been classified as a Variant of Uncertain Significance. Algorithms developed to predict the effect of missense changes on protein structure and function output the following: SIFT: "Tolerated"; PolyPhen-2: "Benign"; Align-GVGD: "Class C0". The isoleucine amino acid residue is found in multiple mammalian species, suggesting that this missense change does not adversely affect protein function. These predictions have not been confirmed by published functional studies and their clinical significance is uncertain. This variant has not been reported in the literature in individuals with PALB2-related conditions. This variant is not present in population databases (ExAC no frequency). This sequence change replaces threonine with isoleucine at codon 297 of the PALB2 protein (p.Thr297Ile). The threonine residue is moderately conserved and there is a moderate physicochemical difference between threonine and isoleucine.